The following is an entry in ClinVar:

ClinVar aggregate classification (germline): Uncertain significance (1 of 4 stars; one submission).

Conditions:
Infantile-onset ascending hereditary spastic paralysis (IAHSP). Also called: Autosomal Recessive Juvenile Amyotrophic Lateral Sclerosis; Infantile-Onset Ascending Hereditary Spastic Paralysis (IAHSP). Identifiers: Orphanet 293168, MedGen C2931441, MONDO:0011797, OMIM 607225. Disease mechanism: loss of function.

Submission:

Labcorp Genetics (formerly Invitae), Labcorp
Classification: Uncertain significance for Infantile-onset ascending hereditary spastic paralysis. Last evaluated: 2017-10-07. Review status: criteria provided, single submitter. Criteria: Invitae Variant Classification Sherloc (09022015). Collection method: clinical testing. Allele origin: germline.
Comment: This variant is not present in population databases (ExAC no frequency). This sequence change affects codon 993 of the ALS2 mRNA. It is a 'silent' change, meaning that it does not change the encoded amino acid sequence of the ALS2 protein. This variant also falls at the last nucleotide of exon 17 of the ALS2 coding sequence, which is part of the consensus splice site for this exon. In summary, the available evidence is currently insufficient to determine the role of this variant in disease. Therefore, it has been classified as a Variant of Uncertain Significance. Nucleotide substitutions within the consensus splice site are a relatively common cause of aberrant splicing (PMID: 17576681, 9536098). Algorithms developed to predict the effect of sequence changes on RNA splicing suggest that this variant may disrupt the consensus splice site, but this prediction has not been confirmed by published transcriptional studies. This variant has not been reported in the literature in individuals with ALS2-related disease.

Literature cited by the submitters: PubMed 17576681; PubMed 9536098.

NM_020919.4(ALS2):c.2979G>A (p.Lys993=)

Gene: ALS2 (alsin Rho guanine nucleotide exchange factor ALS2; minus strand). Cytogenetic location: 2q33.1.
Variant type: single nucleotide variant.
Coding change: c.2979G>A on transcript NM_020919.4 (MANE Select); coding-DNA position 2979, G replaced by A.
Protein change: p.Lys993=; no amino-acid change (lysine 993 retained).
Molecular consequence: synonymous variant.
Genome position (GRCh38, 1-based): chr2:201,727,212, C>T on the plus strand (G>A on the coding strand, the complement: ALS2 is on the minus strand). VCF-style: chr2-201727212-C-T. GRCh37 (hg19) VCF-style: chr2-202591935-C-T.
Identifiers: ClinVar variation 578624 (VCV000578624.8), dbSNP rs1559050770, ClinGen allele CA430643407.
Genomic context (GRCh38, chr2:201,727,212, plus strand): 5'-TACACAAGAGGCAGAAAGAGCCAGGGCGAAGATTGAAGGAAAATACCATAATAGACTAAC[C>T]TTTTCCTGGGGTGTAGATGAAATGAGAGTGAACTGCTCCTCAGGTGTAGTTATCTTTAAG-3'
Protein context (NP_065970.2, residues 983-1003): FTLISSTPQE[Lys993=]TKWLRAISQA